The following is an entry in ClinVar:

NM_001377334.1(PIK3C2B):c.4506A>G (p.Gly1502=)

Gene: PIK3C2B (phosphatidylinositol-4-phosphate 3-kinase catalytic subunit type 2 beta; minus strand). Cytogenetic location: 1q32.1.
Variant type: single nucleotide variant.
Coding change: c.4506A>G on transcript NM_001377334.1 (MANE Select); coding-DNA position 4506, A replaced by G.
Protein change: p.Gly1502=; no amino-acid change (glycine 1502 retained).
Molecular consequence: synonymous variant.
Genome position (GRCh38, 1-based): chr1:204,427,729, T>C on the plus strand (A>G on the coding strand, the complement: PIK3C2B is on the minus strand). VCF-style: chr1-204427729-T-C. GRCh37 (hg19) VCF-style: chr1-204396857-T-C.
Other names: c.4422A>G, p.Gly1474= (NM_001377335.1); c.4506A>G, p.Gly1502= (NM_002646.4).
Identifiers: ClinVar variation 3058782 (VCV003058782.2), dbSNP rs143922784, ClinGen allele CA1347073.
Genomic context (GRCh38, chr1:204,427,729, plus strand): 5'-CATGATGAAGAGTTTATTGTTTTTGTAGGAGATGGACAGCTTCACCTCCCCTCCCACCTT[T>C]CCGACGGGCCGGGCCCATGTGCCATCTGTAGGGACAAATGAAACCATGAAGGGTCAAGAG-3'
Protein context (NP_001364263.1, residues 1492-1512): SSDGTWARPV[Gly1502=]KVGGEVKLSI

ClinVar aggregate classification (germline): Likely benign (0 of 4 stars; one submission).

Conditions:
PIK3C2B-related disorder. Also called: PIK3C2B-related condition.

Allele frequency attached by ClinVar (database versions not stated): TOPMed 0.00007; ESP Exome Variant Server 0.00008; gnomAD 0.00015; gnomAD exomes 0.00019; ExAC 0.00038; 1000 Genomes Project 30x 0.00094; 1000 Genomes Project 0.00100.
gnomAD v4.1: 304 of 1,614,000 alleles (0.019%); highest among the groups gnomAD compares: South Asian, 0.28%; 3 homozygotes.

Submission:

PreventionGenetics, part of Exact Sciences
Classification: Likely benign for PIK3C2B-related condition. Last evaluated: 2019-03-21. Review status: no assertion criteria provided. Collection method: clinical testing. Allele origin: germline.
Comment: This variant is classified as likely benign based on ACMG/AMP sequence variant interpretation guidelines (Richards et al. 2015 PMID: 25741868, with internal and published modifications).